The following is an entry in ClinVar:

ClinVar aggregate classification (germline): Likely benign (1 of 4 stars; one submission).

gnomAD v4.1: 302 of 1,613,370 alleles (0.019%); highest among the groups gnomAD compares: Non-Finnish European, 0.021%; no homozygotes.

Submission:

CeGaT Center for Human Genetics Tuebingen
Classification: Likely benign. Last evaluated: 2026-08-01. Review status: criteria provided, single submitter. Criteria: CeGaT Center For Human Genetics Tuebingen Variant Classification Criteria Version 2. Collection method: clinical testing. Allele origin: germline. Affected: yes. Observed: 1 variant allele.
Comment: ZNF140: BP4, BP7

NM_003440.4(ZNF140):c.288T>C (p.Asp96=)

Genes: ZNF140 (zinc finger protein 140; plus strand), ZNF891 (zinc finger protein 891; minus strand). Cytogenetic location: 12q24.33.
Variant type: single nucleotide variant.
Coding change: c.288T>C on transcript NM_003440.4 (MANE Select); coding-DNA position 288, T replaced by C.
Protein change: p.Asp96=; no amino-acid change (aspartic acid 96 retained).
Molecular consequence: synonymous variant. On other transcripts: 3 prime UTR variant (1), 5 prime UTR variant (2), intron variant (1).
Genome position (GRCh38, 1-based): chr12:133,105,565, T>C. VCF-style: chr12-133105565-T-C. GRCh37 (hg19) VCF-style: chr12-133682151-T-C.
Other names: c.*14719A>G (NM_001277291.2); c.-22T>C (NM_001300776.2, NM_001300778.2); c.-37-60T>C (NM_001300777.2).
Identifiers: ClinVar variation 5038639 (VCV005038639.1).